The following is an entry in ClinVar:

NM_001329943.3(KIAA0586):c.4028A>G (p.Gln1343Arg)

Gene: KIAA0586 (KIAA0586; plus strand). Cytogenetic location: 14q23.1.
Variant type: single nucleotide variant.
Coding change: c.4028A>G on transcript NM_001329943.3 (MANE Select); coding-DNA position 4028, A replaced by G.
Protein change: p.Gln1343Arg; replaces glutamine 1343 with arginine.
Molecular consequence: missense variant.
Genome position (GRCh38, 1-based): chr14:58,498,820, A>G. VCF-style: chr14-58498820-A-G. GRCh37 (hg19) VCF-style: chr14-58965538-A-G.
Other names: c.4187A>G, p.Gln1396Arg (NM_001244189.2); c.3983A>G, p.Gln1328Arg (NM_001244190.2); c.3773A>G, p.Gln1258Arg (NM_001244191.2, NM_001329945.2, NM_001364700.1 and 1 more transcripts); c.3896A>G, p.Gln1299Arg (NM_001244192.2, NM_001329947.2); c.3608A>G, p.Gln1203Arg (NM_001244193.2); c.4028A>G, p.Gln1343Arg (NM_001329944.2, NM_001329946.2); c.3800A>G, p.Gln1267Arg (NM_014749.5); short protein forms Q1203R, Q1258R, Q1267R, Q1299R, Q1328R, Q1343R, Q1396R.
Identifiers: ClinVar variation 1801135 (VCV001801135.6), dbSNP rs1448650391, ClinGen allele CA389885510.

ClinVar aggregate classification (germline): Uncertain significance. Review status: criteria provided, multiple submitters, no conflicts (2 of 4 stars). 2 submissions from 2 submitters: Uncertain significance (2). Last evaluated 2025-08-15.

Conditions:
Short-rib thoracic dysplasia 14 with polydactyly (SRTD14). Identifiers: Orphanet 397715, MedGen C4225286, MONDO:0014688, OMIM 616546.
Joubert syndrome 23 (JBTS23). Identifiers: Orphanet 475, MedGen C4084822, MONDO:0014664, OMIM 616490.

Allele frequency attached by ClinVar (database versions not stated): gnomAD exomes 0.00001; TOPMed below 0.00001; gnomAD 0.00001.
gnomAD v4.1: 11 of 1,610,798 alleles (0.00068%); highest among the groups gnomAD compares: East Asian, 0.022%; no homozygotes.

Submissions (2):

Labcorp Genetics (formerly Invitae), Labcorp
Classification: Uncertain significance for Joubert syndrome 23; Short-rib thoracic dysplasia 14 with polydactyly. Last evaluated: 2025-08-15. Review status: criteria provided, single submitter. Criteria: Invitae Variant Classification Sherloc (09022015). Collection method: clinical testing. Allele origin: germline.
Comment: This sequence change replaces glutamine, which is neutral and polar, with arginine, which is basic and polar, at codon 1396 of the KIAA0586 protein (p.Gln1396Arg). This variant is present in population databases (no rsID available, gnomAD 0.04%). This variant has not been reported in the literature in individuals affected with KIAA0586-related conditions. ClinVar contains an entry for this variant (Variation ID: 1801135). Invitae Evidence Modeling of protein sequence and biophysical properties (such as structural, functional, and spatial information, amino acid conservation, physicochemical variation, residue mobility, and thermodynamic stability) indicates that this missense variant is expected to disrupt KIAA0586 protein function with a positive predictive value of 80%. In summary, the available evidence is currently insufficient to determine the role of this variant in disease. Therefore, it has been classified as a Variant of Uncertain Significance.

GeneDx
Classification: Uncertain significance. Last evaluated: 2022-05-23. Review status: criteria provided, single submitter. Criteria: GeneDx Variant Classification Process June 2021. Collection method: clinical testing. Allele origin: germline. Affected: yes.
Comment: In silico analysis supports that this missense variant has a deleterious effect on protein structure/function; Has not been previously published as pathogenic or benign to our knowledge